The following is an entry in ClinVar:

ClinVar aggregate classification (germline): Uncertain significance (1 of 4 stars; one submission).

Conditions:
PPARG-related disorder. Also called: PPARG-related condition; PPARG-related disorders.

gnomAD v4.1: 2 of 1,611,228 alleles (0.00012%); highest among the groups gnomAD compares: Non-Finnish European, 0.00017%; no homozygotes.

Submission:

PreventionGenetics, part of Exact Sciences
Classification: Uncertain significance for PPARG-related condition. Last evaluated: 2026-04-24. Review status: criteria provided, single submitter. Criteria: ACMG Guidelines, 2015. Collection method: clinical testing. Allele origin: germline.
Comment: The PPARG c.31G>T variant is predicted to result in the amino acid substitution p.Asp11Tyr. To our knowledge, this variant has not been reported in the literature in association with an established PPARG-related disease. This variant is reported in 0.00088% of alleles in individuals of European (Non-Finnish) descent in gnomAD. At this time, the clinical significance of this variant is uncertain due to the absence of conclusive functional and genetic evidence.

NM_138711.6(PPARG):c.-8-28081G>T

Gene: PPARG (peroxisome proliferator activated receptor gamma; plus strand). Cytogenetic location: 3p25.2.
Variant type: single nucleotide variant.
Coding change: c.-8-28081G>T on transcript NM_138711.6 (MANE Select); 28081 bases into the intron before 8 bases upstream of the start codon, G replaced by T.
Molecular consequence: intron variant. On other transcripts: missense variant (3).
Genome position (GRCh38, 1-based): chr3:12,351,623, G>T. VCF-style: chr3-12351623-G-T. GRCh37 (hg19) VCF-style: chr3-12393122-G-T.
Other names: c.31G>T, p.Asp11Tyr (NM_001354668.2, NM_001374265.1, NM_015869.5); c.-8-28081G>T (NM_001354666.3, NM_138712.5, NM_005037.7 and 5 more transcripts); c.-435-28081G>T (NM_001354669.2); c.-9+6729G>T (NM_001374262.3); c.-2-28081G>T (NM_001374266.1, NM_001354670.2); short protein forms D11Y.
Identifiers: ClinVar variation 4979815 (VCV004979815.1).